The following is an entry in ClinVar:

ClinVar aggregate classification (germline): Benign. Review status: criteria provided, single submitter (1 of 4 stars). 2 submissions from 2 submitters: Benign (1). 1 of the submissions does not count toward it. Last evaluated 2025-10-04.

Conditions:
CREBBP-related disorder. Also called: CREBBP-related disorders; CREBBP-related condition.
Rubinstein-Taybi syndrome (RSTS). Identifiers: Orphanet 783, MedGen C0035934, MONDO:0019188.

Allele frequency attached by ClinVar (database versions not stated): ESP Exome Variant Server 0.00015.
gnomAD v4.1: 61 of 1,614,134 alleles (0.0038%); highest among the groups gnomAD compares: Non-Finnish European, 0.005%; no homozygotes.

Submissions (2):

Labcorp Genetics (formerly Invitae), Labcorp
Classification: Benign for Rubinstein-Taybi syndrome. Last evaluated: 2025-10-04. Review status: criteria provided, single submitter. Criteria: Invitae Variant Classification Sherloc (09022015). Collection method: clinical testing. Allele origin: germline.

PreventionGenetics, part of Exact Sciences
Classification: Uncertain significance for CREBBP-related condition. Last evaluated: 2024-01-12. Review status: no assertion criteria provided. Collection method: clinical testing. Allele origin: germline. Not counted in ClinVar's aggregate classification.
Comment: The CREBBP c.2062C>G variant is predicted to result in the amino acid substitution p.Pro688Ala. To our knowledge, this variant has not been reported in the literature. This variant is reported in 0.0080% of alleles in individuals of African descent in gnomAD. At this time, the clinical significance of this variant is uncertain due to the absence of conclusive functional and genetic evidence.

NM_004380.3(CREBBP):c.2062C>G (p.Pro688Ala)

Gene: CREBBP (CREB binding lysine acetyltransferase; minus strand). Cytogenetic location: 16p13.3.
Variant type: single nucleotide variant.
Coding change: c.2062C>G on transcript NM_004380.3 (MANE Select); coding-DNA position 2062, C replaced by G.
Protein change: p.Pro688Ala; replaces proline 688 with alanine.
Molecular consequence: missense variant.
Genome position (GRCh38, 1-based): chr16:3,778,062, G>C on the plus strand (C>G on the coding strand, the complement: CREBBP is on the minus strand). VCF-style: chr16-3778062-G-C. GRCh37 (hg19) VCF-style: chr16-3828063-G-C.
Other names: c.1948C>G, p.Pro650Ala (NM_001079846.1); c.2062C>G (NM_004380.2); short protein forms P688A, P650A.
Identifiers: ClinVar variation 2845882 (VCV002845882.5), dbSNP rs369233303, ClinGen allele CA7870285.
Genomic context (GRCh38, chr16:3,778,062, plus strand): 5'-AATCCTTACTTGGAGGTCTCACAGGTTGTGCCTGTGGAATCACAGGGGGCTGAGCCCCCG[G>C]GGCTGGTAAGGCTGGCTGGTTCCCCAAGATGCCTTGTTTATGTAAACGCGACCTCCGTTT-3'
Protein context (NP_004371.2, residues 678-698): ILGNQPALPA[Pro688Ala]GAQPPVIPQA